The following is an entry in ClinVar:

ClinVar aggregate classification (germline): Conflicting classifications of pathogenicity. Review status: criteria provided, conflicting classifications (1 of 4 stars). 3 submissions from 3 submitters: Likely pathogenic (2); Uncertain significance (1). Last evaluated 2025-06-10.

Conditions:
Chuvash polycythemia. Also called: POLYCYTHEMIA, VHL-DEPENDENT. Identifiers: Orphanet 238557, MedGen C1837915, MONDO:0009892, OMIM 263400.
Von Hippel-Lindau syndrome (VHLS). Also called: Von Hippel-Lindau; von Hippel–Lindau syndrome; VHL syndrome. Identifiers: Orphanet 892, MedGen C0019562, MONDO:0008667, OMIM 193300. Disease mechanism: loss of function.
Hereditary cancer-predisposing syndrome. Also called: Hereditary neoplastic syndrome; Neoplastic Syndromes, Hereditary; Tumor predisposition; Hereditary Cancer Syndrome. Identifiers: Orphanet 140162, MedGen C0027672, MeSH D009386, MONDO:0015356.

Submissions (3):

Ambry Genetics
Classification: Likely pathogenic for Hereditary cancer-predisposing syndrome. Last evaluated: 2025-06-10. Review status: criteria provided, single submitter. Criteria: Ambry Variant Classification Scheme 2023. Collection method: clinical testing. Allele origin: germline.
Comment: The c.483_500dup18 pathogenic mutation (also known as p.C162_R167dup), located in coding exon 3 of the VHL gene, results from an in-frame duplication of 18 nucleotides at nucleotide positions 483 to 500. This results in the duplication of 6 extra residues (CLQVVR) between codons 162 and 167. This variant was reported in individual(s) with features consistent with von Hippel-Lindau syndrome (Ambry internal data). Based on internal structural assessment, this alteration inhibits elongin binding (Van Molle I et al. Chem. Biol. 2012 Oct;19(10):1300-12). This variant is considered to be rare based on population cohorts in the Genome Aggregation Database (gnomAD). This amino acid region is highly conserved in available vertebrate species. In addition, this variant is predicted to be deleterious by in silico analysis (Choi Y et al. PLoS ONE. 2012; 7(10):e46688). Based on the majority of available evidence to date, this variant is likely to be pathogenic.

Labcorp Genetics (formerly Invitae), Labcorp
Classification: Likely pathogenic for Von Hippel-Lindau syndrome; Chuvash polycythemia. Last evaluated: 2025-03-03. Review status: criteria provided, single submitter. Criteria: Invitae Variant Classification Sherloc (09022015). Collection method: clinical testing. Allele origin: germline.
Comment: This variant, c.483_500dup, results in the insertion of 6 amino acid(s) of the VHL protein (p.Cys162_Arg167dup), but otherwise preserves the integrity of the reading frame. This variant is not present in population databases (gnomAD no frequency). This variant has been observed in individuals with clinical features of von Hippel-Lindau syndrome (external communication, internal data). ClinVar contains an entry for this variant (Variation ID: 480846). This variant disrupts the alpha domain of the VHL protein, which is required for interaction with Elongin C (PMID: 10205047). While functional studies have not been performed to directly test the effect of this variant on VHL protein function, this suggests that disruption of this region of the protein is causative of disease. In summary, the currently available evidence indicates that the variant is pathogenic, but additional data are needed to prove that conclusively. Therefore, this variant has been classified as Likely Pathogenic.

Genomic Diagnostic Laboratory, Division of Genomic Diagnostics, Children's Hospital of Philadelphia
Classification: Uncertain significance for von Hippel-Lindau syndrome. Last evaluated: 2018-08-01. Review status: criteria provided, single submitter. Criteria: DGD Variant Analysis Guidelines. Collection method: clinical testing. Allele origin: germline. Affected: yes. Observed: 1 variant allele.

Literature cited by the submitters: PubMed 23102223 (cited by Ambry Genetics); PubMed 10205047 (cited by Labcorp Genetics (formerly Invitae), Labcorp).

NM_000551.4(VHL):c.483_500dup (p.Cys162_Arg167dup)

Genes: VHL (von Hippel-Lindau tumor suppressor; plus strand), LOC107303340 (3p25 von Hippel-Lindau tumor suppressor, E3 ubiquitin protein ligase Alu-mediated recombination region; plus strand). Cytogenetic location: 3p25.3.
Variant type: Duplication.
Coding change: c.483_500dup on transcript NM_000551.4 (MANE Select); coding-DNA positions 483 to 500, 18 bases duplicated (ATGCCTCCAGGTTGTCCG).
Protein change: p.Cys162_Arg167dup.
Molecular consequence: inframe insertion. On other transcripts: 3 prime UTR variant (1).
Genome position (GRCh38, 1-based): chr3:10,149,806-10,149,823, ATGCCTCCAGGTTGTCCG duplicated; duplicating any 18 consecutive bases within chr3:10,149,804-10,149,823 gives the same sequence; the c. name uses the placement nearest the transcript's 3' end. VCF-style (leftmost placement, unchanged base first): chr3-10149803-G-GCGATGCCTCCAGGTTGTC. GRCh37 (hg19) VCF-style: chr3-10191487-G-GCGATGCCTCCAGGTTGTC.
Other names: c.483_500dupATGCCTCCAGGTTGTCCG (NM_000551.3); c.*37_*54dup (NM_001354723.2); c.360_377dup, p.Cys121_Arg126dup (NM_198156.3).
Identifiers: ClinVar variation 480846 (VCV000480846.14), dbSNP rs1553620312, ClinGen allele CA658655759.